The following is an entry in ClinVar:

NM_000080.4(CHRNE):c.1326+6A>C

Gene: CHRNE (cholinergic receptor nicotinic epsilon subunit; minus strand). Cytogenetic location: 17p13.2.
Variant type: single nucleotide variant.
Coding change: c.1326+6A>C on transcript NM_000080.4 (MANE Select); 6 bases into the intron after coding-DNA position 1326, A replaced by C.
Molecular consequence: intron variant.
Genome position (GRCh38, 1-based): chr17:4,898,995, T>G on the plus strand (A>C on the coding strand, the complement: CHRNE is on the minus strand). VCF-style: chr17-4898995-T-G. GRCh37 (hg19) VCF-style: chr17-4802290-T-G.
Other names: c.1326+6A>C (LRG_1254t1).
Identifiers: ClinVar variation 323978 (VCV000323978.11), dbSNP rs886053122, ClinGen allele CA10650468.
Genomic context (GRCh38, chr17:4,898,995, plus strand): 5'-GCCAGCGGCATGGGAGACAGTGGTGGGCCTCTGCCTCGCTCCACCCGCCTCTGGCTCCTG[T>G]CCCACCTCGCCGGTGGCCTCCTGATCTCTCGTGCTCTCGGCCACGAAGTTCACGGCATCC-3'

ClinVar aggregate classification (germline): Uncertain significance. Review status: criteria provided, multiple submitters, no conflicts (2 of 4 stars). 2 submissions from 2 submitters: Uncertain significance (2). Last evaluated 2025-02-09.

Conditions:
Congenital myasthenic syndrome (CMS). Also called: Congenital Myasthenic Syndromes. Identifiers: Orphanet 590, MedGen C0751882, MeSH D020294, MONDO:0018940.
Congenital myasthenic syndrome 4A. Also called: Myasthenic syndrome, congenital, 4a, slow-channel; CONGENITAL MYASTHENIC SYNDROME TYPE Ia1; MYASTHENIC SYNDROME, CONGENITAL, 4A, SLOW-CHANNEL, AUTOSOMAL RECESSIVE. Identifiers: Orphanet 590, MedGen C4225413, MONDO:0011600, OMIM 605809.

Allele frequency attached by ClinVar (database versions not stated): gnomAD exomes below 0.00001.
gnomAD v4.1: 2 of 1,587,396 alleles (0.00013%); highest among the groups gnomAD compares: Non-Finnish European, 0.00017%; no homozygotes.

Submissions (2):

Labcorp Genetics (formerly Invitae), Labcorp
Classification: Uncertain significance for Congenital myasthenic syndrome 4A. Last evaluated: 2025-02-09. Review status: criteria provided, single submitter. Criteria: Invitae Variant Classification Sherloc (09022015). Collection method: clinical testing. Allele origin: germline.
Comment: This sequence change falls in intron 11 of the CHRNE gene. It does not directly change the encoded amino acid sequence of the CHRNE protein. It affects a nucleotide within the consensus splice site. This variant is present in population databases (no rsID available, gnomAD 0.001%). This variant has not been reported in the literature in individuals affected with CHRNE-related conditions. ClinVar contains an entry for this variant (Variation ID: 323978). Variants that disrupt the consensus splice site are a relatively common cause of aberrant splicing (PMID: 17576681, 9536098). Algorithms developed to predict the effect of sequence changes on RNA splicing suggest that this variant is not likely to affect RNA splicing. In summary, the available evidence is currently insufficient to determine the role of this variant in disease. Therefore, it has been classified as a Variant of Uncertain Significance.

Illumina Laboratory Services, Illumina
Classification: Uncertain significance for Congenital myasthenic syndrome. Last evaluated: 2018-01-13. Review status: criteria provided, single submitter. Criteria: ICSL Variant Classification Criteria 13 December 2019. Collection method: clinical testing. Allele origin: germline.

Literature cited by the submitters: PubMed 17576681 (cited by Labcorp Genetics (formerly Invitae), Labcorp); PubMed 9536098 (cited by Labcorp Genetics (formerly Invitae), Labcorp).